The following is an entry in ClinVar:

ClinVar aggregate classification (germline): Uncertain significance (1 of 4 stars; one submission).

Conditions:
TH-deficient dopa-responsive dystonia. Also called: Tyrosine Hydroxylase-Deficient Dopa-Responsive Dystonia; DYT-TH; Segawa syndrome, autosomal recessive. Identifiers: Orphanet 101150, MedGen C2673535, MONDO:0011551, OMIM 605407.

Allele frequency attached by ClinVar (database versions not stated): gnomAD 0.00001; ExAC 0.00002; ESP Exome Variant Server 0.00008; TOPMed 0.00002.
gnomAD v4.1: 33 of 1,590,090 alleles (0.0021%); highest among the groups gnomAD compares: Non-Finnish European, 0.0028%; no homozygotes.

Submission:

Labcorp Genetics (formerly Invitae), Labcorp
Classification: Uncertain significance for TH-deficient dopa-responsive dystonia. Last evaluated: 2021-11-30. Review status: criteria provided, single submitter. Criteria: Invitae Variant Classification Sherloc (09022015). Collection method: clinical testing. Allele origin: germline.
Comment: This sequence change replaces alanine, which is neutral and non-polar, with proline, which is neutral and non-polar, at codon 278 of the TH protein (p.Ala278Pro). The frequency data for this variant in the population databases is considered unreliable, as metrics indicate poor data quality at this position in the gnomAD database. This variant has not been reported in the literature in individuals affected with TH-related conditions. ClinVar contains an entry for this variant (Variation ID: 580760). Advanced modeling of protein sequence and biophysical properties (such as structural, functional, and spatial information, amino acid conservation, physicochemical variation, residue mobility, and thermodynamic stability) performed at Invitae indicates that this missense variant is expected to disrupt TH protein function. In summary, the available evidence is currently insufficient to determine the role of this variant in disease. Therefore, it has been classified as a Variant of Uncertain Significance.

NM_000360.4(TH):c.739G>C (p.Ala247Pro)

Gene: TH (tyrosine hydroxylase; minus strand). Cytogenetic location: 11p15.5.
Variant type: single nucleotide variant.
Coding change: c.739G>C on transcript NM_000360.4 (MANE Select); coding-DNA position 739, G replaced by C.
Protein change: p.Ala247Pro; replaces alanine 247 with proline.
Molecular consequence: missense variant.
Genome position (GRCh38, 1-based): chr11:2,166,989, C>G on the plus strand (G>C on the coding strand, the complement: TH is on the minus strand). VCF-style: chr11-2166989-C-G. GRCh37 (hg19) VCF-style: chr11-2188219-C-G.
Other names: c.832G>C, p.Ala278Pro (NM_199292.3); c.820G>C, p.Ala274Pro (NM_199293.3); short protein forms A278P, A274P, A247P.
Identifiers: ClinVar variation 580760 (VCV000580760.3), dbSNP rs373283527, ClinGen allele CA5818502.